The following is an entry in ClinVar:

NM_031407.7(HUWE1):c.10376T>C (p.Leu3459Pro)

Gene: HUWE1 (HECT, UBA and WWE domain containing E3 ubiquitin protein ligase 1; minus strand). Cytogenetic location: Xp11.22.
Variant type: single nucleotide variant.
Coding change: c.10376T>C on transcript NM_031407.7 (MANE Select); coding-DNA position 10376, T replaced by C.
Protein change: p.Leu3459Pro; replaces leucine 3459 with proline.
Molecular consequence: missense variant.
Genome position (GRCh38, 1-based): chrX:53,547,933, A>G on the plus strand (T>C on the coding strand, the complement: HUWE1 is on the minus strand). VCF-style: chrX-53547933-A-G. GRCh37 (hg19) VCF-style: chrX-53574894-A-G.
Other names: short protein forms L3459P.
Identifiers: ClinVar variation 1713516 (VCV001713516.5), dbSNP rs2523132981, ClinGen allele CA413135835.

ClinVar aggregate classification (germline): Uncertain significance (1 of 4 stars; one submission).

Submission:

Labcorp Genetics (formerly Invitae), Labcorp
Classification: Uncertain significance. Last evaluated: 2024-12-02. Review status: criteria provided, single submitter. Criteria: Invitae Variant Classification Sherloc (09022015). Collection method: clinical testing. Allele origin: germline.
Comment: This sequence change replaces leucine, which is neutral and non-polar, with proline, which is neutral and non-polar, at codon 3459 of the HUWE1 protein (p.Leu3459Pro). This variant is not present in population databases (gnomAD no frequency). This variant has not been reported in the literature in individuals affected with HUWE1-related conditions. ClinVar contains an entry for this variant (Variation ID: 1713516). Invitae Evidence Modeling of protein sequence and biophysical properties (such as structural, functional, and spatial information, amino acid conservation, physicochemical variation, residue mobility, and thermodynamic stability) indicates that this missense variant is expected to disrupt HUWE1 protein function with a positive predictive value of 80%. In summary, the available evidence is currently insufficient to determine the role of this variant in disease. Therefore, it has been classified as a Variant of Uncertain Significance.